The following is an entry in ClinVar:

NC_000007.13:g.(?_6013030)_(6017398_?)dup

Gene: PMS2 (PMS1 homolog 2, mismatch repair system component; minus strand). Cytogenetic location: 7p22.1.
Variant type: Duplication.
Identifiers: ClinVar variation 1060938 (VCV001060938.2).

ClinVar aggregate classification (germline): Uncertain significance (1 of 4 stars; one submission).

Conditions:
Hereditary nonpolyposis colorectal neoplasms. Identifiers: MedGen C0009405, MeSH D003123.

Submission:

Labcorp Genetics (formerly Invitae), Labcorp
Classification: Uncertain significance for Hereditary nonpolyposis colorectal neoplasms. Last evaluated: 2020-02-24. Review status: criteria provided, single submitter. Criteria: Invitae Variant Classification Sherloc (09022015). Collection method: clinical testing. Allele origin: germline.
Comment: The genomic region that is duplicated in this individual is unknown. It could encompass exons 14-15 of the PMS2 gene or exons 5-6 of the PMS2CL pseudogene. The position of the duplicated region in the genome also cannot be determined from these data. Until the location of this sequence change can be resolved, the clinical significance of this variant remains uncertain. It has been classified as a Variant of Uncertain Significance.